The following is an entry in ClinVar:

NM_001927.4(DES):c.700G>T (p.Glu234Ter)

Gene: DES (desmin; plus strand). Cytogenetic location: 2q35.
Variant type: single nucleotide variant.
Coding change: c.700G>T on transcript NM_001927.4 (MANE Select); coding-DNA position 700, G replaced by T.
Protein change: p.Glu234Ter; replaces glutamic acid 234 with a stop codon.
Molecular consequence: nonsense. On other transcripts: intron variant (1).
Genome position (GRCh38, 1-based): chr2:219,420,311, G>T. VCF-style: chr2-219420311-G-T. GRCh37 (hg19) VCF-style: chr2-220285033-G-T.
Other names: c.697G>T, p.Glu233Ter (NM_001382708.1); c.700G>T, p.Glu234Ter (NM_001382709.1, NM_001382710.1, NM_001382711.1 and 1 more transcripts); c.496-214G>T (NM_001382713.1); short protein forms E233*, E234*.
Identifiers: ClinVar variation 1334101 (VCV001334101.3), dbSNP rs774739275, ClinGen allele CA350690505.

ClinVar aggregate classification (germline): Pathogenic (1 of 4 stars; one submission).

Conditions:
Desmin-related myofibrillar myopathy (MFM1). Also called: Desminopathy; Desmin related myopathy (former name); Desmin storage myopathy (former name); MYOFIBRILLAR MYOPATHY WITH ARRHYTHMOGENIC RIGHT VENTRICULAR CARDIOMYOPATHY; DESMIN-RELATED MYOPATHY WITH ARRHYTHMOGENIC RIGHT VENTRICULAR CARDIOMYOPATHY; Myofibrillar myopathy 1. Identifiers: Orphanet 363543, Orphanet 98909, MedGen C1832370, MONDO:0011076, OMIM 601419.

Submission:

Centre of Medical Genetics, University of Antwerp
Classification: Pathogenic for Desmin-related myofibrillar myopathy. Last evaluated: 2022-01-12. Review status: criteria provided, single submitter. Criteria: ACMG Guidelines, 2015. Collection method: clinical testing. Allele origin: biparental. Affected: yes. Observed: 2 variant alleles.
Comment: This sequence change creates a premature stop codon [p.(Glu234*)] in the DES gene. It is expected to result in an absent or disrupted protein product. This variant is not present in the gnomAD database. This variant has not been reported in the literature in individuals with DES-related conditions. Loss-of-function variants in DES are known to be pathogenic (e.g. PMID: 23575897, 23815709). For these reasons, this variant has been classified as Pathogenic.